The following is an entry in ClinVar:

ClinVar aggregate classification (germline): Uncertain significance (1 of 4 stars; one submission).

Conditions:
Tay-Sachs disease (TSD). Also called: HEXA DEFICIENCY; GM2 gangliosidosis, type 1; Hexosaminidase alpha-subunit deficiency (variant B); Sphingolipidosis, Tay-Sachs; Hexosaminidase A Deficiency; HEXA Disorders. Identifiers: Orphanet 845, MedGen C0039373, MONDO:0010100, OMIM 272800.

Allele frequency attached by ClinVar (database versions not stated): TOPMed below 0.00001.
gnomAD v4.1: 1 of 1,614,224 alleles (0.000062%); highest among the groups gnomAD compares: Non-Finnish European, 0.000085%; no homozygotes.

Submission:

Labcorp Genetics (formerly Invitae), Labcorp
Classification: Uncertain significance for Tay-Sachs disease. Last evaluated: 2023-06-29. Review status: criteria provided, single submitter. Criteria: Invitae Variant Classification Sherloc (09022015). Collection method: clinical testing. Allele origin: germline.
Comment: In summary, the available evidence is currently insufficient to determine the role of this variant in disease. Therefore, it has been classified as a Variant of Uncertain Significance. Advanced modeling of protein sequence and biophysical properties (such as structural, functional, and spatial information, amino acid conservation, physicochemical variation, residue mobility, and thermodynamic stability) has been performed at Invitae for this missense variant, however the output from this modeling did not meet the statistical confidence thresholds required to predict the impact of this variant on HEXA protein function. ClinVar contains an entry for this variant (Variation ID: 1462712). This variant has not been reported in the literature in individuals affected with HEXA-related conditions. This variant is not present in population databases (gnomAD no frequency). This sequence change replaces glycine, which is neutral and non-polar, with arginine, which is basic and polar, at codon 57 of the HEXA protein (p.Gly57Arg).

NM_000520.6(HEXA):c.169G>C (p.Gly57Arg)

Gene: HEXA (hexosaminidase subunit alpha; minus strand). Cytogenetic location: 15q23.
Variant type: single nucleotide variant.
Coding change: c.169G>C on transcript NM_000520.6 (MANE Select); coding-DNA position 169, G replaced by C.
Protein change: p.Gly57Arg; replaces glycine 57 with arginine.
Molecular consequence: missense variant. On other transcripts: non-coding transcript variant (1).
Genome position (GRCh38, 1-based): chr15:72,375,804, C>G on the plus strand (G>C on the coding strand, the complement: HEXA is on the minus strand). VCF-style: chr15-72375804-C-G. GRCh37 (hg19) VCF-style: chr15-72668145-C-G.
Other names: c.169G>C, p.Gly57Arg (NM_001318825.2); short protein forms G57R.
Identifiers: ClinVar variation 1462712 (VCV001462712.8), dbSNP rs2089057551, ClinGen allele CA393070307.